The following is an entry in ClinVar:

ClinVar aggregate classification (germline): Uncertain significance (1 of 4 stars; one submission).

Conditions:
Inborn genetic diseases. Identifiers: MedGen C0950123, MeSH D030342.

Submission:

Ambry Genetics
Classification: Uncertain significance for Inborn genetic diseases. Last evaluated: 2025-09-22. Review status: criteria provided, single submitter. Criteria: Ambry Variant Classification Scheme 2023. Collection method: clinical testing. Allele origin: germline.
Comment: The p.T541I variant (also known as c.1622C>T), located in coding exon 17 of the FANCA gene, results from a C to T substitution at nucleotide position 1622. The threonine at codon 541 is replaced by isoleucine, an amino acid with similar properties. This amino acid position is conserved. In addition, this alteration is predicted to be tolerated by in silico analysis. Based on the available evidence, the clinical significance of this variant remains unclear.

NM_000135.4(FANCA):c.1622C>T (p.Thr541Ile)

Gene: FANCA (FA complementation group A; minus strand). Cytogenetic location: 16q24.3.
Variant type: single nucleotide variant.
Coding change: c.1622C>T on transcript NM_000135.4 (MANE Select); coding-DNA position 1622, C replaced by T.
Protein change: p.Thr541Ile; replaces threonine 541 with isoleucine.
Molecular consequence: missense variant.
Genome position (GRCh38, 1-based): chr16:89,782,863, G>A on the plus strand (C>T on the coding strand, the complement: FANCA is on the minus strand). VCF-style: chr16-89782863-G-A. GRCh37 (hg19) VCF-style: chr16-89849271-G-A.
Other names: c.1622C>T, p.Thr541Ile (NM_001286167.3); short protein forms T541I.
Identifiers: ClinVar variation 4619162 (VCV004619162.1).
Genomic context (GRCh38, chr16:89,782,863, plus strand): 5'-ACCTTTGCATGGTGGGCGTGACTGGCTGAGACCCTGCAGGGCTCAAGCAACATTACCTCA[G>A]TAATGTCCCCAGCTGATGACAAATCCTCGTAGAGTCCCATGTTTTCTATAGAAACCTTCA-3'
Protein context (NP_000126.2, residues 531-551): YEDLSSAGDI[Thr541Ile]EPHSQALQDV